The following is an entry in ClinVar:

NM_002471.4(MYH6):c.1921A>C (p.Lys641Gln)

Gene: MYH6 (myosin heavy chain 6; minus strand). Cytogenetic location: 14q11.2.
Variant type: single nucleotide variant.
Coding change: c.1921A>C on transcript NM_002471.4 (MANE Select); coding-DNA position 1921, A replaced by C.
Protein change: p.Lys641Gln; replaces lysine 641 with glutamine.
Molecular consequence: missense variant.
Genome position (GRCh38, 1-based): chr14:23,397,584, T>G on the plus strand (A>C on the coding strand, the complement: MYH6 is on the minus strand). VCF-style: chr14-23397584-T-G. GRCh37 (hg19) VCF-style: chr14-23866793-T-G.
Other names: short protein forms K641Q.
Identifiers: ClinVar variation 1353569 (VCV001353569.6), dbSNP rs768209175, ClinGen allele CA7115663.

ClinVar aggregate classification (germline): Uncertain significance (1 of 4 stars; one submission).

Conditions:
Hypertrophic cardiomyopathy 14. Identifiers: MedGen C2750467, MONDO:0013197, OMIM 613251.

Allele frequency attached by ClinVar (database versions not stated): TOPMed below 0.00001; ExAC 0.00001; gnomAD exomes below 0.00001.
gnomAD v4.1: 5 of 1,614,248 alleles (0.00031%); highest among the groups gnomAD compares: South Asian, 0.0055%; no homozygotes.

Submission:

Labcorp Genetics (formerly Invitae), Labcorp
Classification: Uncertain significance for Hypertrophic cardiomyopathy 14. Last evaluated: 2022-01-21. Review status: criteria provided, single submitter. Criteria: Invitae Variant Classification Sherloc (09022015). Collection method: clinical testing. Allele origin: germline.
Comment: This sequence change replaces lysine, which is basic and polar, with glutamine, which is neutral and polar, at codon 641 of the MYH6 protein (p.Lys641Gln). This variant is present in population databases (rs768209175, gnomAD 0.003%). This variant has not been reported in the literature in individuals affected with MYH6-related conditions. Algorithms developed to predict the effect of missense changes on protein structure and function (SIFT, PolyPhen-2, Align-GVGD) all suggest that this variant is likely to be tolerated. In summary, the available evidence is currently insufficient to determine the role of this variant in disease. Therefore, it has been classified as a Variant of Uncertain Significance.